The following is an entry in ClinVar:

NM_005184.4(CALM3):c.404G>A (p.Gly135Asp)

Gene: CALM3 (calmodulin 3; plus strand). Cytogenetic location: 19q13.32.
Variant type: single nucleotide variant.
Coding change: c.404G>A on transcript NM_005184.4 (MANE Select); coding-DNA position 404, G replaced by A.
Protein change: p.Gly135Asp; replaces glycine 135 with aspartic acid.
Molecular consequence: missense variant.
Genome position (GRCh38, 1-based): chr19:46,608,964, G>A. VCF-style: chr19-46608964-G-A. GRCh37 (hg19) VCF-style: chr19-47112221-G-A.
Other names: c.296G>A, p.Gly99Asp (NM_001329921.1, NM_001329923.1, NM_001329924.2 and 2 more transcripts); c.404G>A, p.Gly135Asp (NM_001329922.1); c.404G>A (NM_005184.3, NM_005184.2); short protein forms G99D, G135D.
Identifiers: ClinVar variation 1382851 (VCV001382851.8), dbSNP rs1471376840, ClinGen allele CA406473650.

ClinVar aggregate classification (germline): Uncertain significance. Review status: criteria provided, multiple submitters, no conflicts (2 of 4 stars). 3 submissions from 3 submitters: Uncertain significance (3). Last evaluated 2025-04-01.

Conditions:
Cardiovascular phenotype. Identifiers: MedGen CN230736.
Long QT syndrome 1 (LQT1). Identifiers: Orphanet 101016, Orphanet 768, MedGen C4551647, MONDO:0100316, OMIM 192500, MONDO:0008646.
CALM3-related disorder. Also called: CALM3-related condition.

Allele frequency attached by ClinVar (database versions not stated): TOPMed below 0.00001.

Submissions (3):

Labcorp Genetics (formerly Invitae), Labcorp
Classification: Uncertain significance for Long QT syndrome 1. Last evaluated: 2025-04-01. Review status: criteria provided, single submitter. Criteria: Invitae Variant Classification Sherloc (09022015). Collection method: clinical testing. Allele origin: germline.
Comment: This sequence change replaces glycine, which is neutral and non-polar, with aspartic acid, which is acidic and polar, at codon 135 of the CALM3 protein (p.Gly135Asp). This variant is not present in population databases (gnomAD no frequency). This variant has not been reported in the literature in individuals affected with CALM3-related conditions. ClinVar contains an entry for this variant (Variation ID: 1382851). An algorithm developed to predict the effect of missense changes on protein structure and function (PolyPhen-2) suggests that this variant is likely to be disruptive. In summary, the available evidence is currently insufficient to determine the role of this variant in disease. Therefore, it has been classified as a Variant of Uncertain Significance.

PreventionGenetics, part of Exact Sciences
Classification: Uncertain significance for CALM3-related condition. Last evaluated: 2025-03-19. Review status: criteria provided, single submitter. Criteria: ACMG Guidelines, 2015. Collection method: clinical testing. Allele origin: germline.
Comment: The CALM3 c.404G>A variant is predicted to result in the amino acid substitution p.Gly135Asp. To our knowledge, this variant has not been reported in the literature. It has not been reported in a large population database (gnomAD), indicating this variant is rare; however, the quality of this data is questionable and should be treated with caution. At this time, the clinical significance of this variant is uncertain due to the absence of conclusive functional and genetic evidence.

Ambry Genetics
Classification: Uncertain significance for Cardiovascular phenotype. Last evaluated: 2024-11-27. Review status: criteria provided, single submitter. Criteria: Ambry Variant Classification Scheme 2023. Collection method: clinical testing. Allele origin: germline.
Comment: The p.G135D variant (also known as c.404G>A), located in coding exon 5 of the CALM3 gene, results from a G to A substitution at nucleotide position 404. The glycine at codon 135 is replaced by aspartic acid, an amino acid with similar properties. This amino acid position is highly conserved in available vertebrate species. In addition, this alteration is predicted to be deleterious by in silico analysis. Based on the available evidence, the clinical significance of this variant remains unclear.